The following is an entry in ClinVar:

ClinVar aggregate classification (germline): Uncertain significance (1 of 4 stars; one submission).

Conditions:
Renal cell carcinoma. Identifiers: Orphanet 217071, MedGen C0007134, MeSH D002292, MONDO:0005086, HP:0005584.

Submission:

Labcorp Genetics (formerly Invitae), Labcorp
Classification: Uncertain significance for Renal cell carcinoma. Last evaluated: 2025-08-03. Review status: criteria provided, single submitter. Criteria: Invitae Variant Classification Sherloc (09022015). Collection method: clinical testing. Allele origin: germline.
Comment: This sequence change creates a premature translational stop signal (p.Trp1405*) in the MET gene. While this is not anticipated to result in nonsense mediated decay, it is expected to disrupt the last 4 amino acid(s) of the MET protein. This variant is not present in population databases (gnomAD no frequency). This variant has not been reported in the literature in individuals affected with MET-related conditions. Experimental studies and prediction algorithms are not available or were not evaluated, and the functional significance of this variant is currently unknown. In summary, the available evidence is currently insufficient to determine the role of this variant in disease. Therefore, it has been classified as a Variant of Uncertain Significance.

NM_000245.4(MET):c.4160G>A (p.Trp1387Ter)

Gene: MET (MET proto-oncogene, receptor tyrosine kinase; plus strand). Cytogenetic location: 7q31.2.
Variant type: single nucleotide variant.
Coding change: c.4160G>A on transcript NM_000245.4 (MANE Select); coding-DNA position 4160, G replaced by A.
Protein change: p.Trp1387Ter; replaces tryptophan 1387 with a stop codon.
Molecular consequence: nonsense.
Genome position (GRCh38, 1-based): chr7:116,796,111, G>A. VCF-style: chr7-116796111-G-A. GRCh37 (hg19) VCF-style: chr7-116436165-G-A.
Other names: c.4214G>A, p.Trp1405Ter (NM_001127500.3); c.2870G>A, p.Trp957Ter (NM_001324402.2); short protein forms W1405*, W957*, W1387*.
Identifiers: ClinVar variation 4773010 (VCV004773010.1).
Genomic context (GRCh38, chr7:116,796,111, plus strand): 5'-CTCTGTTGTCATCAGAAGATAACGCTGATGATGAGGTGGACACACGACCAGCCTCCTTCT[G>A]GGAGACATCATAGTGCTAGTACTATGTCAAAGCAACAGTCCACACTTTGTCCAATGGTTT-3'